The following is an entry in ClinVar:

ClinVar aggregate classification (germline): Uncertain significance (1 of 4 stars; one submission).

Conditions:
Inborn genetic diseases. Identifiers: MedGen C0950123, MeSH D030342.

gnomAD v4.1: 8 of 1,614,060 alleles (0.0005%); no homozygotes.

Submission:

Ambry Genetics
Classification: Uncertain significance for Inborn genetic diseases. Last evaluated: 2024-11-26. Review status: criteria provided, single submitter. Criteria: Ambry Variant Classification Scheme 2023. Collection method: clinical testing. Allele origin: germline.
Comment: The p.S907N variant (also known as c.2720G>A), located in coding exon 12 of the BMPR2 gene, results from a G to A substitution at nucleotide position 2720. The serine at codon 907 is replaced by asparagine, an amino acid with highly similar properties. This amino acid position is conserved. In addition, the in silico prediction for this alteration is inconclusive. Based on the available evidence, the clinical significance of this variant remains unclear.

NM_001204.7(BMPR2):c.2720G>A (p.Ser907Asn)

Gene: BMPR2 (bone morphogenetic protein receptor type 2; plus strand). Cytogenetic location: 2q33.2.
Variant type: single nucleotide variant.
Coding change: c.2720G>A on transcript NM_001204.7 (MANE Select); coding-DNA position 2720, G replaced by A.
Protein change: p.Ser907Asn; replaces serine 907 with asparagine.
Molecular consequence: missense variant.
Genome position (GRCh38, 1-based): chr2:202,556,385, G>A. VCF-style: chr2-202556385-G-A. GRCh37 (hg19) VCF-style: chr2-203421108-G-A.
Other names: short protein forms S907N.
Identifiers: ClinVar variation 3481309 (VCV003481309.1).